The following is an entry in ClinVar:

ClinVar aggregate classification (germline): Uncertain significance (1 of 4 stars; one submission).

Conditions:
Familial intrahepatic cholestasis. Identifiers: Orphanet 284385, MedGen CN296401, MONDO:0017290.

gnomAD v4.1: 2 of 1,614,040 alleles (0.00012%); highest among the groups gnomAD compares: East Asian, 0.0022%; no homozygotes.

Submission:

Genomenon, Inc
Classification: Uncertain significance for Familial intrahepatic cholestasis. Last evaluated: 2026-04-14. Review status: criteria provided, single submitter. Criteria: Genomenon Sequence Variant Interpretation Standards - Updated. Collection method: curation. Allele origin: germline. Affected: yes.
Comment: ATP8B1 p.Ile606Thr (c.1817T>C) is a missense variant that changes the amino acid at residue 606 from Isoleucine to Threonine. This variant has been observed in at least one proband with features of ATP8B1-deficiency (PMID:34485338). It is absent or not present at a significant frequency in gnomAD. In silico models predict that this variant is possibly or probably damaging. In conclusion, we classify ATP8B1 p.Ile606Thr (c.1817T>C) as a variant of uncertain significance.

Literature cited by the submitters: PubMed 34485338.

NM_001374385.1(ATP8B1):c.1817T>C (p.Ile606Thr)

Gene: ATP8B1 (ATPase phospholipid transporting 8B1; minus strand). Cytogenetic location: 18q21.31.
Variant type: single nucleotide variant.
Coding change: c.1817T>C on transcript NM_001374385.1 (MANE Select); coding-DNA position 1817, T replaced by C.
Protein change: p.Ile606Thr; replaces isoleucine 606 with threonine.
Molecular consequence: missense variant.
Genome position (GRCh38, 1-based): chr18:57,674,836, A>G on the plus strand (T>C on the coding strand, the complement: ATP8B1 is on the minus strand). VCF-style: chr18-57674836-A-G. GRCh37 (hg19) VCF-style: chr18-55342068-A-G.
Other names: c.1667T>C, p.Ile556Thr (NM_001374386.1); c.1817T>C, p.Ile606Thr (NM_005603.6); short protein forms I556T, I606T.
Identifiers: ClinVar variation 4846234 (VCV004846234.1).